The following is an entry in ClinVar:

NM_001378454.1(ALMS1):c.11994G>C (p.Arg3998Ser)

Genes: ALMS1 (ALMS1 centrosome and basal body associated protein; plus strand), LOC126806252 (BRD4-independent group 4 enhancer GRCh37_chr2:73828496-73829695; plus strand). Cytogenetic location: 2p13.1.
Variant type: single nucleotide variant.
Coding change: c.11994G>C on transcript NM_001378454.1 (MANE Select); coding-DNA position 11994, G replaced by C.
Protein change: p.Arg3998Ser; replaces arginine 3998 with serine.
Molecular consequence: missense variant.
Genome position (GRCh38, 1-based): chr2:73,601,316, G>C. VCF-style: chr2-73601316-G-C. GRCh37 (hg19) VCF-style: chr2-73828443-G-C.
Other names: c.11997G>C, p.Arg3999Ser (NM_015120.4); short protein forms R3999S, R3998S.
Identifiers: ClinVar variation 552781 (VCV000552781.13), dbSNP rs28730862, ClinGen allele CA1715397.

ClinVar aggregate classification (germline): Uncertain significance. Review status: criteria provided, multiple submitters, no conflicts (2 of 4 stars). 6 submissions from 6 submitters: Uncertain significance (5). 1 of the submissions does not count toward it. Last evaluated 2026-01-12.

Conditions:
Cardiovascular phenotype. Identifiers: MedGen CN230736.
Alstrom syndrome (ALMS). Identifiers: Orphanet 64, MedGen C0268425, MONDO:0008763, OMIM 203800.

Allele frequency attached by ClinVar (database versions not stated): gnomAD 0.00003; TOPMed 0.00003; ExAC 0.00005; gnomAD exomes 0.00005 and 0.00017; 1000 Genomes Project 0.00020; 1000 Genomes Project 30x 0.00031.
gnomAD v4.1: 257 of 1,614,202 alleles (0.016%); highest among the groups gnomAD compares: Non-Finnish European, 0.021%; no homozygotes.

Submissions (6):

Labcorp Genetics (formerly Invitae), Labcorp
Classification: Uncertain significance for Alstrom syndrome. Last evaluated: 2026-01-12. Review status: criteria provided, single submitter. Criteria: Invitae Variant Classification Sherloc (09022015). Collection method: clinical testing. Allele origin: germline.
Comment: This sequence change replaces arginine, which is basic and polar, with serine, which is neutral and polar, at codon 3999 of the ALMS1 protein (p.Arg3999Ser). This variant is present in population databases (rs28730862, gnomAD 0.01%). This variant has not been reported in the literature in individuals affected with ALMS1-related conditions. ClinVar contains an entry for this variant (Variation ID: 552781). Experimental studies and prediction algorithms are not available or were not evaluated, and the functional significance of this variant is currently unknown. In summary, the available evidence is currently insufficient to determine the role of this variant in disease. Therefore, it has been classified as a Variant of Uncertain Significance.

Ambry Genetics
Classification: Uncertain significance for Cardiovascular phenotype. Last evaluated: 2025-11-17. Review status: criteria provided, single submitter. Criteria: Ambry Variant Classification Scheme 2023. Collection method: clinical testing. Allele origin: germline.
Comment: The p.R3999S variant (also known as c.11997G>C), located in coding exon 19 of the ALMS1 gene, results from a G to C substitution at nucleotide position 11997. The arginine at codon 3999 is replaced by serine, an amino acid with dissimilar properties. This amino acid position is highly conserved in available vertebrate species. In addition, this alteration is predicted to be deleterious by in silico analysis. Since supporting evidence is limited at this time, the clinical significance of this alteration remains unclear.

GeneDx
Classification: Uncertain significance. Last evaluated: 2025-08-09. Review status: criteria provided, single submitter. Criteria: GeneDx Variant Classification Process June 2021. Collection method: clinical testing. Allele origin: germline. Affected: yes.
Comment: Not observed at significant frequency in large population cohorts (gnomAD); In silico analysis supports that this missense variant has a deleterious effect on protein structure/function; Has not been previously published as pathogenic or benign to our knowledge

Blueprint Genetics
Classification: Uncertain significance. Last evaluated: 2024-10-31. Review status: criteria provided, single submitter. Criteria: ACMG Guidelines, 2015. Collection method: clinical testing. Allele origin: germline.

Fulgent Genetics
Classification: Uncertain significance for Alstrom syndrome. Last evaluated: 2022-04-22. Review status: criteria provided, single submitter. Criteria: ACMG Guidelines, 2015. Collection method: clinical testing. Allele origin: unknown.

Counsyl
Classification: Uncertain significance for Alstrom syndrome. Last evaluated: 2017-07-06. Review status: no assertion criteria provided. Collection method: clinical testing. Allele origin: unknown. Not counted in ClinVar's aggregate classification.